The following is an entry in ClinVar:

ClinVar aggregate classification (germline): Uncertain significance (1 of 4 stars; one submission).

Allele frequency attached by ClinVar (database versions not stated): ExAC 0.00001; gnomAD exomes 0.00001.
gnomAD v4.1: 16 of 1,612,160 alleles (0.00099%); highest among the groups gnomAD compares: African/African-American, 0.0027%; no homozygotes.

Submission:

Labcorp Genetics (formerly Invitae), Labcorp
Classification: Uncertain significance. Last evaluated: 2025-10-28. Review status: criteria provided, single submitter. Criteria: Invitae Variant Classification Sherloc (09022015). Collection method: clinical testing. Allele origin: germline.
Comment: This sequence change replaces arginine, which is basic and polar, with cysteine, which is neutral and slightly polar, at codon 672 of the CLCN6 protein (p.Arg672Cys). The frequency data for this variant in the population databases is considered unreliable, as metrics indicate poor data quality at this position in the gnomAD database. This variant has not been reported in the literature in individuals affected with CLCN6-related conditions. ClinVar contains an entry for this variant (Variation ID: 2970710). An algorithm developed to predict the effect of missense changes on protein structure and function (PolyPhen-2) suggests that this variant is likely to be disruptive. In summary, the available evidence is currently insufficient to determine the role of this variant in disease. Therefore, it has been classified as a Variant of Uncertain Significance.

NM_001286.5(CLCN6):c.2014C>T (p.Arg672Cys)

Gene: CLCN6 (Cl-/H+ antiporter 6; plus strand). Cytogenetic location: 1p36.22.
Variant type: single nucleotide variant.
Coding change: c.2014C>T on transcript NM_001286.5 (MANE Select); coding-DNA position 2014, C replaced by T.
Protein change: p.Arg672Cys; replaces arginine 672 with cysteine.
Molecular consequence: missense variant. On other transcripts: non-coding transcript variant (1).
Genome position (GRCh38, 1-based): chr1:11,837,032, C>T. VCF-style: chr1-11837032-C-T. GRCh37 (hg19) VCF-style: chr1-11897089-C-T.
Other names: c.1948C>T, p.Arg650Cys (NM_001256959.2); short protein forms R672C, R650C.
Identifiers: ClinVar variation 2970710 (VCV002970710.3), dbSNP rs776513600, ClinGen allele CA596690.